The following is an entry in ClinVar:

ClinVar aggregate classification (germline): Uncertain significance (1 of 4 stars; one submission).

Allele frequency attached by ClinVar (database versions not stated): gnomAD exomes below 0.00001.
gnomAD v4.1: 1 of 1,583,602 alleles (0.000063%); highest among the groups gnomAD compares: Non-Finnish European, 0.000086%; no homozygotes.

Submission:

GeneDx
Classification: Uncertain significance. Last evaluated: 2022-03-03. Review status: criteria provided, single submitter. Criteria: GeneDx Variant Classification Process June 2021. Collection method: clinical testing. Allele origin: germline. Affected: yes.
Comment: Not observed at significant frequency in large population cohorts (gnomAD); In silico analysis supports that this missense variant has a deleterious effect on protein structure/function; Has not been previously published as pathogenic or benign to our knowledge

NM_013275.6(ANKRD11):c.7808C>G (p.Thr2603Ser)

Gene: ANKRD11 (ankyrin repeat domain containing 11; minus strand). Cytogenetic location: 16q24.3.
Variant type: single nucleotide variant.
Coding change: c.7808C>G on transcript NM_013275.6 (MANE Select); coding-DNA position 7808, C replaced by G.
Protein change: p.Thr2603Ser; replaces threonine 2603 with serine.
Molecular consequence: missense variant.
Genome position (GRCh38, 1-based): chr16:89,268,662, G>C on the plus strand (C>G on the coding strand, the complement: ANKRD11 is on the minus strand). VCF-style: chr16-89268662-G-C. GRCh37 (hg19) VCF-style: chr16-89335070-G-C.
Other names: c.7808C>G, p.Thr2603Ser (NM_001256182.2, NM_001256183.2); short protein forms T2603S.
Identifiers: ClinVar variation 1704730 (VCV001704730.2), dbSNP rs2544117158, ClinGen allele CA397145424.